The following is an entry in ClinVar:

ClinVar aggregate classification (germline): Benign/Likely benign. Review status: criteria provided, multiple submitters, no conflicts (2 of 4 stars). 5 submissions from 5 submitters: Benign (3); Likely benign (1). 1 of the submissions does not count toward it. Last evaluated 2024-11-21.

Conditions:
FOXP2-related disorder. Also called: FOXP2-related condition.
Childhood apraxia of speech (SPCH1). Also called: DEVELOPMENTAL VERBAL DYSPRAXIA; SPEECH AND LANGUAGE DISORDER WITH OROFACIAL DYSPRAXIA; FOXP2-Related Speech and Language Disorder; Speech language disorder. Identifiers: Orphanet 209908, MedGen C0750927, MONDO:0011184, OMIM 602081.

Allele frequency attached by ClinVar (database versions not stated): 1000 Genomes Project 0.00080; 1000 Genomes Project 30x 0.00109; gnomAD 0.00281 and 0.00294; gnomAD exomes 0.00288 and 0.00533; TOPMed 0.00312; ExAC 0.00350; ESP Exome Variant Server 0.00384.
gnomAD v4.1: 8,069 of 1,613,472 alleles (0.5%); highest among the groups gnomAD compares: Non-Finnish European, 0.65%; 34 homozygotes.

Submissions (5):

Blueprint Genetics
Classification: Likely benign. Last evaluated: 2024-11-21. Review status: criteria provided, single submitter. Criteria: ACMG Guidelines, 2015. Collection method: clinical testing. Allele origin: germline.

Labcorp Genetics (formerly Invitae), Labcorp
Classification: Benign. Last evaluated: 2019-12-31. Review status: criteria provided, single submitter. Criteria: Invitae Variant Classification Sherloc (09022015). Collection method: clinical testing. Allele origin: germline.

Illumina Laboratory Services, Illumina
Classification: Benign for Childhood apraxia of speech. Last evaluated: 2018-01-12. Review status: criteria provided, single submitter. Criteria: ICSL Variant Classification Criteria 13 December 2019. Collection method: clinical testing. Allele origin: germline.
Comment: This variant was observed in the ICSL laboratory as part of a predisposition screen in an ostensibly healthy population. It had not been previously curated by ICSL or reported in the Human Gene Mutation Database (HGMD: prior to June 1st, 2018), and was therefore a candidate for classification through an automated scoring system. Utilizing variant allele frequency, disease prevalence and penetrance estimates, and inheritance mode, an automated score was calculated to assess if this variant is too frequent to cause the disease. Based on the score and internal cut-off values, a variant classified as benign is not then subjected to further curation. The score for this variant resulted in a classification of benign for this disease.

Eurofins Ntd Llc (ga)
Classification: Benign. Last evaluated: 2015-08-06. Review status: criteria provided, single submitter. Criteria: EGL Classification Definitions 2015. Collection method: clinical testing. Allele origin: germline. Observed: 1 variant allele, 1 heterozygote.

PreventionGenetics, part of Exact Sciences
Classification: Benign for FOXP2-related condition. Last evaluated: 2019-07-29. Review status: no assertion criteria provided. Collection method: clinical testing. Allele origin: germline. Not counted in ClinVar's aggregate classification.
Comment: This variant is classified as benign based on ACMG/AMP sequence variant interpretation guidelines (Richards et al. 2015 PMID: 25741868, with internal and published modifications).

NM_014491.4(FOXP2):c.1468+9T>C

Gene: FOXP2 (forkhead box P2; plus strand). Cytogenetic location: 7q31.1.
Variant type: single nucleotide variant.
Coding change: c.1468+9T>C on transcript NM_014491.4 (MANE Select); 9 bases into the intron after coding-DNA position 1468, T replaced by C.
Molecular consequence: intron variant.
Genome position (GRCh38, 1-based): chr7:114,658,276, T>C. VCF-style: chr7-114658276-T-C. GRCh37 (hg19) VCF-style: chr7-114298331-T-C.
Other names: c.1543+9T>C (NM_148898.4); c.1519+9T>C (NM_148900.4); c.1465+9T>C (NM_001172766.3).
Identifiers: ClinVar variation 95604 (VCV000095604.16), dbSNP rs75753538, ClinGen allele CA148647.